The following is an entry in ClinVar:

NM_006623.4(PHGDH):c.281T>G (p.Leu94Trp)

Gene: PHGDH (phosphoglycerate dehydrogenase; plus strand). Cytogenetic location: 1p12.
Variant type: single nucleotide variant.
Coding change: c.281T>G on transcript NM_006623.4 (MANE Select); coding-DNA position 281, T replaced by G.
Protein change: p.Leu94Trp; replaces leucine 94 with tryptophan.
Molecular consequence: missense variant.
Genome position (GRCh38, 1-based): chr1:119,721,312, T>G. VCF-style: chr1-119721312-T-G. GRCh37 (hg19) VCF-style: chr1-120263935-T-G.
Other names: short protein forms L94W.
Identifiers: ClinVar variation 1404512 (VCV001404512.3), dbSNP rs1651151523, ClinGen allele CA341847339.

ClinVar aggregate classification (germline): Uncertain significance (1 of 4 stars; one submission).

Conditions:
PHGDH deficiency. Identifiers: Orphanet 79351, MedGen C1866174, MONDO:0011152, OMIM 601815.

Submission:

Labcorp Genetics (formerly Invitae), Labcorp
Classification: Uncertain significance for PHGDH deficiency. Last evaluated: 2022-06-20. Review status: criteria provided, single submitter. Criteria: Invitae Variant Classification Sherloc (09022015). Collection method: clinical testing. Allele origin: germline.
Comment: This sequence change replaces leucine, which is neutral and non-polar, with tryptophan, which is neutral and slightly polar, at codon 94 of the PHGDH protein (p.Leu94Trp). This variant is not present in population databases (gnomAD no frequency). This variant has not been reported in the literature in individuals affected with PHGDH-related conditions. Algorithms developed to predict the effect of missense changes on protein structure and function are either unavailable or do not agree on the potential impact of this missense change (SIFT: "Deleterious"; PolyPhen-2: "Probably Damaging"; Align-GVGD: "Class C0"). In summary, the available evidence is currently insufficient to determine the role of this variant in disease. Therefore, it has been classified as a Variant of Uncertain Significance.